The following is an entry in ClinVar:

ClinVar aggregate classification (germline): Uncertain significance. Review status: criteria provided, multiple submitters, no conflicts (2 of 4 stars). 2 submissions from 2 submitters: Uncertain significance (2). Last evaluated 2025-06-02.

Conditions:
Brugada syndrome. Also called: Sudden Unexplained Death Syndrome; Sudden Unexplained Nocturnal Death Syndrome (SUNDS); Sudden unexplained nocturnal death syndrome; Sudden unexpected nocturnal death syndrome. Identifiers: Orphanet 130, MedGen C1142166, MONDO:0015263.

Allele frequency attached by ClinVar (database versions not stated): gnomAD exomes below 0.00001 and 0.00001; ExAC 0.00001; TOPMed 0.00001.
gnomAD v4.1: 1 of 1,607,500 alleles (0.000062%); highest among the groups gnomAD compares: African/African-American, 0.0013%; no homozygotes.

Submissions (2):

Labcorp Genetics (formerly Invitae), Labcorp
Classification: Uncertain significance for Brugada syndrome. Last evaluated: 2025-06-02. Review status: criteria provided, single submitter. Criteria: Invitae Variant Classification Sherloc (09022015). Collection method: clinical testing. Allele origin: germline.
Comment: This sequence change replaces alanine, which is neutral and non-polar, with valine, which is neutral and non-polar, at codon 792 of the SLMAP protein (p.Ala792Val). The frequency data for this variant in the population databases is considered unreliable, as metrics indicate poor data quality at this position in the gnomAD database. This variant has not been reported in the literature in individuals affected with SLMAP-related conditions. ClinVar contains an entry for this variant (Variation ID: 1365153). An algorithm developed to predict the effect of missense changes on protein structure and function (PolyPhen-2) suggests that this variant is likely to be tolerated. In summary, the available evidence is currently insufficient to determine the role of this variant in disease. Therefore, it has been classified as a Variant of Uncertain Significance.

Ambry Genetics
Classification: Uncertain significance. Last evaluated: 2024-10-19. Review status: criteria provided, single submitter. Criteria: Ambry Variant Classification Scheme 2023. Collection method: clinical testing. Allele origin: germline.
Comment: The p.A792V variant (also known as c.2375C>T), located in coding exon 21 of the SLMAP gene, results from a C to T substitution at nucleotide position 2375. The alanine at codon 792 is replaced by valine, an amino acid with similar properties. This amino acid position is conserved. In addition, this alteration is predicted to be tolerated by in silico analysis. Based on the available evidence, the clinical significance of this variant remains unclear.

NM_001377540.1(SLMAP):c.*38C>T

Gene: SLMAP (sarcolemma associated protein; plus strand). Cytogenetic location: 3p14.3.
Variant type: single nucleotide variant.
Coding change: c.*38C>T on transcript NM_001377540.1 (MANE Select); 38 bases downstream of the stop codon, C replaced by T.
Molecular consequence: 3 prime UTR variant. On other transcripts: missense variant (10), non-coding transcript variant (1).
Genome position (GRCh38, 1-based): chr3:57,927,327, C>T. VCF-style: chr3-57927327-C-T. GRCh37 (hg19) VCF-style: chr3-57913054-C-T.
Other names: c.2426C>T, p.Ala809Val (NM_001304420.3); c.2312C>T, p.Ala771Val (NM_001304421.2, NM_001377557.1); c.1028C>T, p.Ala343Val (NM_001304422.3); c.830C>T, p.Ala277Val (NM_001304423.3); c.*38C>T (NM_001311178.2, NM_001377541.1, NM_001377542.1 and 12 more transcripts); c.2498C>T, p.Ala833Val (NM_001377538.1); c.2477C>T, p.Ala826Val (NM_001377539.1); c.2363C>T, p.Ala788Val (NM_001377551.1); and 3 more; short protein forms A277V, A771V, A833V, A788V, A809V, A792V, A302V, A343V.
Identifiers: ClinVar variation 1365153 (VCV001365153.9), dbSNP rs771357380, ClinGen allele CA2467405.